The following is an entry in ClinVar:

ClinVar aggregate classification (germline): Uncertain significance. Review status: criteria provided, multiple submitters, no conflicts (2 of 4 stars). 2 submissions from 2 submitters: Uncertain significance (2). Last evaluated 2025-08-30.

Conditions:
Inborn genetic diseases. Identifiers: MedGen C0950123, MeSH D030342.

Allele frequency attached by ClinVar (database versions not stated): ExAC 0.00001.
gnomAD v4.1: 18 of 1,613,764 alleles (0.0011%); highest among the groups gnomAD compares: East Asian, 0.0045%; no homozygotes.

Submissions (2):

Ambry Genetics
Classification: Uncertain significance for Inborn genetic diseases. Last evaluated: 2025-08-30. Review status: criteria provided, single submitter. Criteria: Ambry Variant Classification Scheme 2023. Collection method: clinical testing. Allele origin: germline.

Labcorp Genetics (formerly Invitae), Labcorp
Classification: Uncertain significance. Last evaluated: 2023-11-27. Review status: criteria provided, single submitter. Criteria: Invitae Variant Classification Sherloc (09022015). Collection method: clinical testing. Allele origin: germline.
Comment: This sequence change replaces arginine, which is basic and polar, with glutamine, which is neutral and polar, at codon 401 of the EFEMP1 protein (p.Arg401Gln). This variant is present in population databases (rs775080680, gnomAD 0.01%). This variant has not been reported in the literature in individuals affected with EFEMP1-related conditions. ClinVar contains an entry for this variant (Variation ID: 1950191). Advanced modeling of protein sequence and biophysical properties (such as structural, functional, and spatial information, amino acid conservation, physicochemical variation, residue mobility, and thermodynamic stability) performed at Invitae indicates that this missense variant is not expected to disrupt EFEMP1 protein function with a negative predictive value of 80%. In summary, the available evidence is currently insufficient to determine the role of this variant in disease. Therefore, it has been classified as a Variant of Uncertain Significance.

NM_001039348.3(EFEMP1):c.1202G>A (p.Arg401Gln)

Gene: EFEMP1 (EGF-like fibulin extracellular matrix protein 1; minus strand). Cytogenetic location: 2p16.1.
Variant type: single nucleotide variant.
Coding change: c.1202G>A on transcript NM_001039348.3 (MANE Select); coding-DNA position 1202, G replaced by A.
Protein change: p.Arg401Gln; replaces arginine 401 with glutamine.
Molecular consequence: missense variant.
Genome position (GRCh38, 1-based): chr2:55,870,838, C>T on the plus strand (G>A on the coding strand, the complement: EFEMP1 is on the minus strand). VCF-style: chr2-55870838-C-T. GRCh37 (hg19) VCF-style: chr2-56097973-C-T.
Other names: c.1202G>A, p.Arg401Gln (NM_001039349.3); short protein forms R401Q.
Identifiers: ClinVar variation 1950191 (VCV001950191.7), dbSNP rs775080680, ClinGen allele CA1668725.